The following is an entry in ClinVar:

NM_000518.4(HBB):c.364G>A (p.Glu122Lys)

Genes: HBB (hemoglobin subunit beta; minus strand), LOC107133510 (origin of replication at HBB; plus strand), LOC110006319 (beta-globin gene 3' regulatory region; plus strand). Cytogenetic location: 11p15.4.
Variant type: single nucleotide variant.
Coding change: c.364G>A on transcript NM_000518.4; coding-DNA position 364, G replaced by A.
Protein change: p.Glu122Lys; replaces glutamic acid 122 with lysine.
Molecular consequence: missense variant (on NM_000518.5).
Genome position (GRCh38, 1-based): chr11:5,225,678, C>T on the plus strand (G>A on the coding strand, the complement: HBB is on the minus strand). VCF-style: chr11-5225678-C-T. GRCh37 (hg19) VCF-style: chr11-5246908-C-T.
Other names: E121K; c.364G>A, p.Glu122Lys (NM_000518.5); short protein forms E122K.
Identifiers: ClinVar variation 15292 (VCV000015292.50), dbSNP rs33946267, ClinGen allele CA125070.

ClinVar aggregate classification (germline): Pathogenic/Likely pathogenic. Review status: criteria provided, multiple submitters, no conflicts (2 of 4 stars). 14 submissions from 13 submitters: Pathogenic (10); Likely pathogenic (1). 3 of the submissions do not count toward it. Last evaluated 2025-09-04.

Conditions:
Hereditary persistence of fetal hemoglobin. Identifiers: MedGen C0019025, MONDO:0020989, OMIM 141749.
METHEMOGLOBINEMIA, BETA TYPE. Also called: Methemoglobinemia, beta-globin type. Identifiers: MedGen C1840779, OMIM 617971.
Malaria, susceptibility to. Identifiers: Orphanet 673, MedGen C1970028, MONDO:0021024, OMIM 611162.
alpha Thalassemia. Also called: Alpha thalassemia spectrum. Identifiers: Orphanet 846, MedGen C0002312, MONDO:0011399, OMIM 604131.
Dominant beta-thalassemia. Also called: Beta-thalassemia, dominant inclusion body type. Identifiers: Orphanet 231226, Orphanet 848, MedGen C1858990, MONDO:0011381, OMIM 603902.
Beta-thalassemia HBB/LCRB. Identifiers: MedGen CN322236, MONDO:0013517, OMIM 613985.
Erythrocytosis, familial, 6. Also called: ERYTHROCYTOSIS, BETA-GLOBIN TYPE; POLYCYTHEMIA, BETA-GLOBIN TYPE. Identifiers: MedGen C4693822, MONDO:0054801, OMIM 617980.
Hb SS disease (SCD). Also called: Hemoglobin SS; Sickle cell anemia; Sickle cell disease; HbS disease; Hemoglobin S Disease; Sickling disorder due to hemoglobin S. Identifiers: Orphanet 232, Orphanet 275752, MedGen C0002895, MONDO:0011382, OMIM 603903.
Heinz body anemia. Also called: Heinz body hemolytic anemia. Identifiers: Orphanet 178330, MedGen C0700299, MONDO:0007705, OMIM 140700, HP:0005511.
HBB-related disorder. Also called: HBB-related disorders; HBB-related condition. Identifiers: MedGen CN239378.
Sickle cell-Hemoglobin O Arab disease. Also called: HEMOGLOBIN S (OMAN); HEMOGLOBIN S/O (ARAB). Identifiers: MedGen C1264000.
HEMOGLOBIN O (ARAB).
HEMOGLOBIN EGYPT.
beta Thalassemia (BTHAL). Also called: Cooley's anemia; Erythroblastic anemia; Mediterranean anemia. Identifiers: Orphanet 848, MedGen C0005283, MONDO:0019402. Disease mechanism: loss of function.

Allele frequency attached by ClinVar (database versions not stated): TOPMed 0.00002.
gnomAD v4.1: 14 of 1,613,980 alleles (0.00087%); highest among the groups gnomAD compares: African/African-American, 0.013%; no homozygotes.

Submissions 1 to 4 of 14:

Rady Children's Institute for Genomic Medicine, Rady Children's Hospital San Diego
Classification: Pathogenic for Beta-thalassemia. Last evaluated: 2025-09-04. Review status: criteria provided, single submitter. Criteria: ACMG Guidelines, 2015. Collection method: clinical testing. Allele origin: germline. Affected: yes.
Comment: This variant is also referred to as p.Glu121Lys or the hemoglobin O-Arab (Hb O-Arab) in the literature. Missense variation is an established mechanism of disease for HBB-related disorders (PMID: 20301599, 20301551). The c.364G>A (p.Glu122Lys) variant affects a moderately conserved amino acid and in silico tools used to predict the effect of this variant on protein function yield discordant results. This is a known pathogenic variant that causes mild anemia when present in homozygosity, but can result in hemoglobinopathies when in compound heterozygosity with other HBB variants (PMID: 20954261, 33091040). A different amino acid change at the same residue (p.Glu122Gln) has been previously reported in individuals with hemoglobinopathies when compound heterozygous for additional HBB pathogenic varaints (PMID: 21194265). The c.364G>A (p.Glu122Lys) variant is present in the latest version of the gnomAD population database at an allele frequency of 0.0008% (14/1613980) and thus is presumed to be rare. Based on the available evidence, c.364G>A (p.Glu122Lys) is classified as Pathogenic.

Natera, Inc.
Classification: Pathogenic for Beta thalassemia. Last evaluated: 2025-09-02. Review status: criteria provided, single submitter. Criteria: Natera Variant Classification Schema (03/2026). Collection method: clinical testing. Allele origin: germline.
Comment: The c.364G>A variant in HBB is a missense variant predicted to cause substitution of glutamic acid to lysine at amino acid 122. This variant is rare in the general population with a frequency below the threshold expected for the associated phenotype(s). This variant has been observed in one or more individuals affected with the associated recessive disease, as either homozygous or compound heterozygous with a second variant (PMID: 28361595, 23461145, 8112743). Given the available evidence, this variant is classified as Pathogenic.

ARUP Laboratories, Molecular Genetics and Genomics, ARUP Laboratories
Classification: Pathogenic. Last evaluated: 2025-04-24. Review status: criteria provided, single submitter. Criteria: ARUP Molecular Germline Variant Investigation Process 2024. Collection method: clinical testing. Allele origin: germline.
Comment: The Hb O-Arab variant (HBB: c.364G>A; p.Glu122Lys, also known as Glu121Lys when numbered from the mature protein, rs33946267, HbVar ID: 510) is not associated with clinical manifestations in heterozygous carriers but can cause sickling disease when found in trans to Hb S or Hb C (Milner 1970, Ramot 1960, Rossi 2011, Zimmerman 1999, HbVar database and references therein). This variant has also been reported in cis to Hb S in a doubly substituted variant known as Hb S-Oman (HbVar ID: 687, Langdown 1989, HbVar database and references therein) which causes red cell sickling and has been reported in heterozygous individuals either with sickle cell disease or that were asymptomatic, though individuals with less severe clinical symptoms often had alpha thalassemia trait (Al Balushi 2017, Nagel 1998). Functional characterization of the Hb O-Arab variant globin in the presence of Hb S indicates that the Hb S/Hb O-Arab hemoglobin precipitates at a lower concentration that Hb S/Hb S or HbS/Hb A, suggestive of a strong sickling effect (Milner 1970). Hb O-Arab is listed as pathogenic by multiple laboratories in ClinVar (Variation ID: 15292), and it is found in the general population with an overall allele frequency of 0.001% (4/282706 alleles) in the Genome Aggregation Database. Based on available information, the variant is considered to be pathogenic. References: Link to HbVar database: Al Balushi HWM et al. The super sickling haemoglobin HbS-Oman: a study of red cell sickling, K+ permeability and associations with disease severity in patients heterozygous for HbA and HbS-Oman (HbA/S-Oman genotype). Br J Haematol. 2017 Oct;179(2):256-265. PMID: 28699687. Langdown JV et al. A new doubly substituted sickling haemoglobin: HbS-Oman. Br J Haematol. 1989 Mar;71(3):443-4. PMID: 2930724. Milner P et al. Hemoglobin O arab in four negro families and its interaction with hemoglobin S and hemoglobin C. N Engl J Med. 1970; 283(26):1417-25. PMID: 5481775 Nagel RL et al. HbS-oman heterozygote: a new dominant sickle syndrome. Blood. 1998 Dec 1;92(11):4375-82. PMID: 9834244. Ramot B et al. Haemoglobin O in An Arab Family. Br Med J. 1960; 2(5208):1262-4. PMID: 20788973. Rossi P et al. Bone marrow necrosis and sickle cell crisis associated with double heterozygosity for HbS and HbOARAB. Am J Hematol. 2011; 86(3):309-10. PMID: 20954261. Zimmerman S et al. Hemoglobin S/O(Arab): thirteen new cases and review of the literature. Am J Hematol. 1999; 60(4):279-84. PMID: 10203101.

Quest Diagnostics Nichols Institute San Juan Capistrano
Classification: Pathogenic. Last evaluated: 2024-09-17. Review status: criteria provided, single submitter. Criteria: Quest Diagnostics criteria. Collection method: clinical testing. Allele origin: unknown.
Comment: The HBB c.364G>A (p.Glu122Lys) variant (also known as Hb O-Arab or p.Glu121Lys) has been described in individuals with normal clinical presentation when in heterozygosity and mild anemia when in homozygosity, and with structural hemoglobinopathy association (HbVar and ITHANET). It has also been identified in compound heterozygosity with the Hb S variant to cause severe sickling hemoglobinopathy with laboratory and clinical manifestations similar to those homozygous sickle cell anemia and higher severity relative to Hb SC disease, and described to cause increased red cell mean corpuscular hemoglobin concentration (MCHC) similar to that of Hb C (PMIDs: 20788973 (1960), 5481775 (1970), 10203101 (1999), 10583251 (1999), 22975760 (2013), 24880717 (2014), 32371413 (2020), 35064169 (2022), and 37554704 (2023)). Furthermore, when the variant is on the same chain as the Hb variant, these two changes are collectively known as HbS-Oman which can present from no to a dominant expression of a sickle cell anemia clinical syndrome (PMIDs: 9834244 (1998) and 10583251 (1999)). This variant has also been reported along with Hb D-Los Angeles or Hb C in individuals with hemoglobinopathies including a mild microcytic anemia (PMIDs: 31973650 (2020) and 33091040 (2020)). In vitro studies have shown that this variant results in the impaired hemoglobin function in Hb S compound heterozygous individuals (PMIDs: 5481775 (1970), 3859465 (1985), and 10583251 (1999)). The frequency of this variant in the general population, 0.000014 (4/282706 chromosomes (Genome Aggregation Database)), is consistent with pathogenicity.